The following is an entry in ClinVar:

NM_005321.3(H1-4):c.414dup (p.Lys139fs)

Gene: H1-4 (H1.4 linker histone, cluster member; plus strand). Cytogenetic location: 6p22.2.
Variant type: Duplication.
Coding change: c.414dup on transcript NM_005321.3 (MANE Select); coding-DNA position 414, one base duplicated (C; older notation c.414dupC).
Protein change: p.Lys139fs; shifts the reading frame from lysine 139.
Molecular consequence: frameshift variant.
Genome position (GRCh38, 1-based): chr6:26,156,804, C duplicated; the last of 3 consecutive C bases (chr6:26,156,802-26,156,804); duplicating any one gives the same sequence. VCF-style (leftmost placement, unchanged base first): chr6-26156801-G-GC. GRCh37 (hg19) VCF-style: chr6-26157029-G-GC.
Other names: c.414dupC (NM_005321.2); c.414dup (NM_005321.2); short protein forms K139fs.
Identifiers: ClinVar variation 635257 (VCV000635257.10), dbSNP rs1581429403, ClinGen allele CA915944164.
Genomic context (GRCh38, chr6:26,156,801, plus strand): 5'-GCCTAAGGCTAAAAAGGCAGGCGCGGCCAAGGCCAAGAAGCCAGCAGGAGCGGCGAAGAA[G>GC]CCCAAGAAGGCGACGGGGGCGGCCACCCCCAAGAAGAGCGCCAAGAAGACCCCAAAGAAG-3'

ClinVar aggregate classification (germline): Pathogenic/Likely pathogenic. Review status: criteria provided, multiple submitters, no conflicts (2 of 4 stars). 6 submissions from 6 submitters: Pathogenic (4); Likely pathogenic (1). 1 of the submissions does not count toward it. Last evaluated 2025-04-26.

Conditions:
Inborn genetic diseases. Identifiers: MedGen C0950123, MeSH D030342.
Rahman syndrome. Also called: HIST1H1E Syndrome. Identifiers: Orphanet 642763, MedGen C4479637, MONDO:0044323, OMIM 617537.

Submissions (6):

GeneDx
Classification: Pathogenic. Last evaluated: 2025-04-26. Review status: criteria provided, single submitter. Criteria: GeneDx Variant Classification Process June 2021. Collection method: clinical testing. Allele origin: germline. Affected: yes.
Comment: Frameshift variant predicted to result in abnormal protein length as the last 81 amino acids are replaced with 56 different amino acids; Not observed at significant frequency in large population cohorts (gnomAD); This variant is associated with the following publications: (PMID: 31910894, 35904121, 31447100, 33270410)

Institute of Medical Genetics and Applied Genomics, University Hospital Tübingen
Classification: Pathogenic. Last evaluated: 2020-10-23. Review status: criteria provided, single submitter. Criteria: ACMG Guidelines, 2015. Collection method: clinical testing. Allele origin: germline. Inheritance: Autosomal dominant inheritance. Affected: yes.

Illumina Laboratory Services, Illumina
Classification: Pathogenic for Rahman syndrome. Last evaluated: 2020-05-01. Review status: criteria provided, single submitter. Criteria: ICSLVariantClassificationCriteria RUGD 01 April 2020. Collection method: clinical testing. Allele origin: unknown.
Comment: The HIST1H1E c.414dupC p.(Lys139GlnfsTer57) variant causes a shift in the protein reading frame that is predicted to result in premature termination of the protein. This frameshift event occurs in a mutational hotspot in the carboxy terminal domain of the gene (Burkardt et al. 2019) and it is predicted to result in an expressed, truncated protein that contains the recurrent 38 amino acid carboxy-terminal motif shared among affected individuals (Flex et al. 2019). This variant has been identified in individuals with a phenotype consistent with Rahman syndrome, in at least one of whom, the variant occurred in a de novo state (Flex et al. 2019). This variant is not observed in version 2.1.1 of the Genome Aggregation Database. Based on the available evidence the c.414dupC p.(Lys139GlnfsTer57) variant is classified as pathogenic for Rahman syndrome.

Tartaglia Lab, Genetics and Rare Diseases Research Division, Bambino Gesu' Children's Hospital
Classification: Pathogenic for Rahman syndrome. Last evaluated: 2019-05-01. Review status: criteria provided, single submitter. Criteria: ACMG Guidelines, 2015. Collection method: research. Allele origin: de novo. Affected: yes.

Ambry Genetics
Classification: Likely pathogenic for Inborn genetic diseases. Last evaluated: 2018-06-06. Review status: criteria provided, single submitter. Criteria: Ambry exome assertion method (8-5-2015). Collection method: clinical testing. Allele origin: germline. Affected: yes. Observed: 1 variant allele.

GeneReviews
No classification provided. Condition: Rahman syndrome. Review status: no classification provided. Collection method: literature only. Allele origin: de novo. Not counted in ClinVar's aggregate classification.

Literature cited by the submitters: NCBI Bookshelf NBK564966 (cited by GeneReviews); PubMed 33270410 (cited by GeneReviews).